The following is an entry in ClinVar:

NM_053025.4(MYLK):c.2855A>G (p.Asp952Gly)

Gene: MYLK (myosin light chain kinase; minus strand). Cytogenetic location: 3q21.1.
Variant type: single nucleotide variant.
Coding change: c.2855A>G on transcript NM_053025.4 (MANE Select); coding-DNA position 2855, A replaced by G.
Protein change: p.Asp952Gly; replaces aspartic acid 952 with glycine.
Molecular consequence: missense variant.
Genome position (GRCh38, 1-based): chr3:123,700,613, T>C on the plus strand (A>G on the coding strand, the complement: MYLK is on the minus strand). VCF-style: chr3-123700613-T-C. GRCh37 (hg19) VCF-style: chr3-123419460-T-C.
Other names: c.2327A>G, p.Asp776Gly (NM_001321309.2); c.2648A>G, p.Asp883Gly (NM_053026.4, NM_053028.4); c.2855A>G, p.Asp952Gly (NM_053027.4); short protein forms D776G, D883G, D952G.
Identifiers: ClinVar variation 2854724 (VCV002854724.3), dbSNP rs2474178974, ClinGen allele CA354231027.

ClinVar aggregate classification (germline): Uncertain significance (1 of 4 stars; one submission).

Conditions:
Aortic aneurysm, familial thoracic 7 (AAT7). Also called: AORTIC DISSECTION, FAMILIAL, WITH OR WITHOUT AORTIC ANEURYSM. Identifiers: MedGen C3151077, MONDO:0013418, OMIM 613780.

Submission:

Labcorp Genetics (formerly Invitae), Labcorp
Classification: Uncertain significance for Aortic aneurysm, familial thoracic 7. Last evaluated: 2023-04-16. Review status: criteria provided, single submitter. Criteria: Invitae Variant Classification Sherloc (09022015). Collection method: clinical testing. Allele origin: germline.
Comment: In summary, the available evidence is currently insufficient to determine the role of this variant in disease. Therefore, it has been classified as a Variant of Uncertain Significance. Advanced modeling of protein sequence and biophysical properties (such as structural, functional, and spatial information, amino acid conservation, physicochemical variation, residue mobility, and thermodynamic stability) performed at Invitae indicates that this missense variant is not expected to disrupt MYLK protein function. This variant has not been reported in the literature in individuals affected with MYLK-related conditions. This variant is not present in population databases (gnomAD no frequency). This sequence change replaces aspartic acid, which is acidic and polar, with glycine, which is neutral and non-polar, at codon 952 of the MYLK protein (p.Asp952Gly).